The following is an entry in ClinVar:

NM_003060.4(SLC22A5):c.962T>G (p.Leu321Arg)

Gene: SLC22A5 (solute carrier family 22 member 5; plus strand). Cytogenetic location: 5q31.1.
Variant type: single nucleotide variant.
Coding change: c.962T>G on transcript NM_003060.4 (MANE Select); coding-DNA position 962, T replaced by G.
Protein change: p.Leu321Arg; replaces leucine 321 with arginine.
Molecular consequence: missense variant.
Genome position (GRCh38, 1-based): chr5:132,388,931, T>G. VCF-style: chr5-132388931-T-G. GRCh37 (hg19) VCF-style: chr5-131724623-T-G.
Other names: c.1034T>G, p.Leu345Arg (NM_001308122.2); short protein forms L321R, L345R.
Identifiers: ClinVar variation 936859 (VCV000936859.9), dbSNP rs1752616522, ClinGen allele CA360806035.

ClinVar aggregate classification (germline): Uncertain significance (1 of 4 stars; one submission).

Conditions:
Renal carnitine transport defect (CDSP). Also called: Carnitine transporter deficiency; Carnitine Deficiency, Systemic; Systemic primary carnitine deficiency disease; CARNITINE DEFICIENCY, SYSTEMIC, DUE TO DEFECT IN RENAL REABSORPTION OF CARNITINE; CARNITINE TRANSPORTER, PLASMA-MEMBRANE, DEFICIENCY OF; CARNITINE UPTAKE DEFECT. Identifiers: Orphanet 158, MedGen C0342788, MONDO:0008919, OMIM 212140.

Submission:

Labcorp Genetics (formerly Invitae), Labcorp
Classification: Uncertain significance for Renal carnitine transport defect. Last evaluated: 2023-07-14. Review status: criteria provided, single submitter. Criteria: Invitae Variant Classification Sherloc (09022015). Collection method: clinical testing. Allele origin: germline.
Comment: In summary, the available evidence is currently insufficient to determine the role of this variant in disease. Therefore, it has been classified as a Variant of Uncertain Significance. Advanced modeling of protein sequence and biophysical properties (such as structural, functional, and spatial information, amino acid conservation, physicochemical variation, residue mobility, and thermodynamic stability) has been performed at Invitae for this missense variant, however the output from this modeling did not meet the statistical confidence thresholds required to predict the impact of this variant on SLC22A5 protein function. ClinVar contains an entry for this variant (Variation ID: 936859). This variant has not been reported in the literature in individuals affected with SLC22A5-related conditions. This variant is not present in population databases (gnomAD no frequency). This sequence change replaces leucine, which is neutral and non-polar, with arginine, which is basic and polar, at codon 321 of the SLC22A5 protein (p.Leu321Arg).